The following is an entry in ClinVar:

ClinVar aggregate classification (germline): Uncertain significance (1 of 4 stars; one submission).

Allele frequency attached by ClinVar (database versions not stated): TOPMed below 0.00001.
gnomAD v4.1: 1 of 1,609,826 alleles (0.000062%); no homozygotes.

Submission:

Labcorp Genetics (formerly Invitae), Labcorp
Classification: Uncertain significance. Last evaluated: 2022-07-25. Review status: criteria provided, single submitter. Criteria: Invitae Variant Classification Sherloc (09022015). Collection method: clinical testing. Allele origin: germline.
Comment: This sequence change replaces tryptophan, which is neutral and slightly polar, with glycine, which is neutral and non-polar, at codon 1605 of the GPR179 protein (p.Trp1605Gly). This variant is present in population databases (no rsID available, gnomAD 0.003%). This variant has not been reported in the literature in individuals affected with GPR179-related conditions. Algorithms developed to predict the effect of missense changes on protein structure and function output the following: SIFT: "Deleterious"; PolyPhen-2: "Benign"; Align-GVGD: "Class C0". The glycine amino acid residue is found in multiple mammalian species, which suggests that this missense change does not adversely affect protein function. In summary, the available evidence is currently insufficient to determine the role of this variant in disease. Therefore, it has been classified as a Variant of Uncertain Significance.

NM_001004334.4(GPR179):c.4813T>G (p.Trp1605Gly)

Gene: GPR179 (G protein-coupled receptor 179; minus strand). Cytogenetic location: 17q12.
Variant type: single nucleotide variant.
Coding change: c.4813T>G on transcript NM_001004334.4 (MANE Select); coding-DNA position 4813, T replaced by G.
Protein change: p.Trp1605Gly; replaces tryptophan 1605 with glycine.
Molecular consequence: missense variant.
Genome position (GRCh38, 1-based): chr17:38,328,756, A>C on the plus strand (T>G on the coding strand, the complement: GPR179 is on the minus strand). VCF-style: chr17-38328756-A-C. GRCh37 (hg19) VCF-style: chr17-36484639-A-C.
Other names: short protein forms W1605G.
Identifiers: ClinVar variation 2058271 (VCV002058271.1), dbSNP rs1376284769, ClinGen allele CA398876050.
Genomic context (GRCh38, chr17:38,328,756, plus strand): 5'-CAGGCATTTTCTCCTTGTCCTTTTGAGATTCTCCTCCTCTTGGCACCTGTGCTGATGTCC[A>C]TTCCTCTCTTGTTCTTTCATTTACCTCCCAGGGACAGATTTCTGTTTTGGCAGGTGTTGC-3'
Protein context (NP_001004334.3, residues 1595-1615): WEVNERTREE[Trp1605Gly]TSAQVPRGGE